The following is an entry in ClinVar:

ClinVar aggregate classification (germline): Uncertain significance. Review status: criteria provided, multiple submitters, no conflicts (2 of 4 stars). 2 submissions from 2 submitters: Uncertain significance (2). Last evaluated 2025-05-19.

Conditions:
Peroxisome biogenesis disorder, complementation group K (CGK). Identifiers: MedGen C1866257, MONDO:0800365.
PEX14-related disorder. Also called: PEX14-related condition.

Submissions (2):

PreventionGenetics, part of Exact Sciences
Classification: Uncertain significance for PEX14-related condition. Last evaluated: 2025-05-19. Review status: criteria provided, single submitter. Criteria: ACMG Guidelines, 2015. Collection method: clinical testing. Allele origin: germline.
Comment: The PEX14 c.998_1000delATG variant is predicted to result in an in-frame deletion (p.Asp333del). To our knowledge, this variant has not been reported in the literature. This variant is reported in 0.012% of alleles in individuals of Latino descent in gnomAD. At this time, the clinical significance of this variant is uncertain due to the absence of conclusive functional and genetic evidence.

Labcorp Genetics (formerly Invitae), Labcorp
Classification: Uncertain significance for Peroxisome biogenesis disorder, complementation group K. Last evaluated: 2023-08-04. Review status: criteria provided, single submitter. Criteria: Invitae Variant Classification Sherloc (09022015). Collection method: clinical testing. Allele origin: germline.
Comment: Experimental studies and prediction algorithms are not available or were not evaluated, and the functional significance of this variant is currently unknown. In summary, the available evidence is currently insufficient to determine the role of this variant in disease. Therefore, it has been classified as a Variant of Uncertain Significance. This variant has not been reported in the literature in individuals affected with PEX14-related conditions. This variant is present in population databases (rs780262302, gnomAD 0.01%). This variant, c.998_1000del, results in the deletion of 1 amino acid(s) of the PEX14 protein (p.Asp333del), but otherwise preserves the integrity of the reading frame.

NM_004565.3(PEX14):c.992ATG[2] (p.Asp333del)

Gene: PEX14 (peroxisomal biogenesis factor 14; plus strand). Cytogenetic location: 1p36.22.
Variant type: Microsatellite.
Coding change: c.992ATG[2] on transcript NM_004565.3 (MANE Select); two copies in a row of the 3-base unit ATG starting at c.992; the reference has three copies in a row; one copy, 3 bases deleted.
Protein change: p.Asp333del; deletes aspartic acid 333.
Molecular consequence: inframe deletion.
Genome position (GRCh38, 1-based): chr1:10,629,851-10,629,853, ATG deleted; deleting any 3 consecutive bases within chr1:10,629,844-10,629,853 gives the same sequence; the position shown is the placement nearest the transcript's 3' end. VCF-style (leftmost placement, unchanged base first): chr1-10629843-GGAT-G. GRCh37 (hg19) VCF-style: chr1-10689900-GGAT-G.
Other names: c.998_1000delATG (NM_004565.2); short protein forms D333del.
Identifiers: ClinVar variation 1472752 (VCV001472752.7), dbSNP rs760231440, ClinGen allele CA584012.
Genomic context (GRCh38, chr1:10,629,843, plus strand): 5'-GATGGAGGTGCAAGGCGAGGAGGAGAAGAGGGAGGACAAGGAGGACGAGGAGGATGAGGA[GGAT>G]GATGATGTGAGCCATGTGGACGAGGAGGACTGCCTGGGGGTGCAGAGGGAGGACCGCCGG-3'